The following is an entry in ClinVar:

ClinVar aggregate classification (germline): Pathogenic. Review status: criteria provided, multiple submitters, no conflicts (2 of 4 stars). 3 submissions from 3 submitters: Pathogenic (2). 1 of the submissions does not count toward it. Last evaluated 2026-01-21.

Conditions:
Glutaric aciduria, type 1. Also called: Glutaricaciduria, type I; Glutaric Acidemia Type 1; GA I; Glutaric acidemia type I; Glutaryl-CoA dehydrogenase deficiency; Glutaricacidemia Type 1. Identifiers: Orphanet 25, MedGen C0268595, MONDO:0009281, OMIM 231670.

Allele frequency attached by ClinVar (database versions not stated): gnomAD exomes below 0.00001; TOPMed below 0.00001; gnomAD 0.00001.

Submissions (3):

Labcorp Genetics (formerly Invitae), Labcorp
Classification: Pathogenic for Glutaric aciduria, type 1. Last evaluated: 2026-01-21. Review status: criteria provided, single submitter. Criteria: Invitae Variant Classification Sherloc (09022015). Collection method: clinical testing. Allele origin: germline.
Comment: This sequence change creates a premature translational stop signal (p.Met405Asnfs*14) in the GCDH gene. While this is not anticipated to result in nonsense mediated decay, it is expected to disrupt the last 34 amino acid(s) of the GCDH protein. This variant is not present in population databases (gnomAD no frequency). This variant has not been reported in the literature in individuals affected with GCDH-related conditions. ClinVar contains an entry for this variant (Variation ID: 1066567). This variant disrupts a region of the GCDH protein in which other variant(s) (p.Thr429Met) have been determined to be pathogenic (PMID: 9600243, 10699052, 24973495). This suggests that this is a clinically significant region of the protein, and that variants that disrupt it are likely to be disease-causing. For these reasons, this variant has been classified as Pathogenic.

Baylor Genetics
Classification: Pathogenic for Glutaric aciduria, type 1. Last evaluated: 2023-05-13. Review status: criteria provided, single submitter. Criteria: ACMG Guidelines, 2015. Collection method: clinical testing. Allele origin: unknown.

Natera, Inc.
Classification: Likely pathogenic for Glutaric acidemia type 1. Last evaluated: 2020-06-29. Review status: no assertion criteria provided. Collection method: clinical testing. Allele origin: germline. Not counted in ClinVar's aggregate classification.

Literature cited by the submitters: PubMed 9600243 (cited by Labcorp Genetics (formerly Invitae), Labcorp); PubMed 10699052 (cited by Labcorp Genetics (formerly Invitae), Labcorp); PubMed 24973495 (cited by Labcorp Genetics (formerly Invitae), Labcorp).

NM_000159.4(GCDH):c.1213dup (p.Met405fs)

Gene: GCDH (glutaryl-CoA dehydrogenase; plus strand). Cytogenetic location: 19p13.13.
Variant type: Duplication.
Coding change: c.1213dup on transcript NM_000159.4 (MANE Select); coding-DNA position 1213, one base duplicated (A; older notation c.1213dupA).
Protein change: p.Met405fs; shifts the reading frame from methionine 405.
Molecular consequence: frameshift variant. On other transcripts: non-coding transcript variant (2).
Genome position (GRCh38, 1-based): chr19:12,897,833, A duplicated. VCF-style (leftmost placement, unchanged base first): chr19-12897832-C-CA. GRCh37 (hg19) VCF-style: chr19-13008646-C-CA.
Other names: c.1213dup, p.Met405fs (NM_013976.5); short protein forms M405fs.
Identifiers: ClinVar variation 1066567 (VCV001066567.13), dbSNP rs1377352983, ClinGen allele CA783406826.